The following is an entry in ClinVar:

ClinVar aggregate classification (germline): Likely benign. Review status: criteria provided, multiple submitters, no conflicts (2 of 4 stars). 2 submissions from 2 submitters: Likely benign (2). Last evaluated 2025-04-19.

Conditions:
Pheochromocytoma. Also called: MAX-Related Hereditary Paraganglioma-Pheochromocytoma Syndrome. Identifiers: Orphanet 29072, MedGen C0031511, MONDO:0008233, OMIM 171300, HP:0002666.
Gastrointestinal stromal tumor. Also called: Gastrointestinal stroma tumor; Gastrointestinal stromal tumor, somatic. Identifiers: Orphanet 44890, MedGen C0238198, MeSH D046152, MONDO:0011719, OMIM 606764, HP:0100723.
Pheochromocytoma/paraganglioma syndrome 4. Also called: SDHB-Related Hereditary Paraganglioma-Pheochromocytoma Syndrome (Paragangliomas 4); SDHB-Related Hereditary Paraganglioma-Pheochromocytoma Syndrome; CAROTID BODY TUMORS AND MULTIPLE EXTRAADRENAL PHEOCHROMOCYTOMAS; PARAGANGLIOMA, FAMILIAL MALIGNANT; PARAGANGLIOMAS, HEREDITARY EXTRAADRENAL; PHEOCHROMOCYTOMA, FAMILIAL EXTRAADRENAL. Identifiers: Orphanet 29072, MedGen C1861848, MONDO:0007273, OMIM 115310.

Allele frequency attached by ClinVar (database versions not stated): gnomAD exomes below 0.00001; ExAC 0.00001; gnomAD 0.00001; TOPMed 0.00002; ESP Exome Variant Server 0.00008.

Submissions (2):

Labcorp Genetics (formerly Invitae), Labcorp
Classification: Likely benign for Gastrointestinal stromal tumor; Pheochromocytoma/paraganglioma syndrome 4; Pheochromocytoma. Last evaluated: 2025-04-19. Review status: criteria provided, single submitter. Criteria: Invitae Variant Classification Sherloc (09022015). Collection method: clinical testing. Allele origin: germline.

Myriad Genetics, Inc.
Classification: Likely benign for Pheochromocytoma/paraganglioma syndrome 4. Last evaluated: 2025-03-12. Review status: criteria provided, single submitter. Criteria: Myriad Autosomal Dominant, Autosomal Recessive and X-Linked Classification Criteria (2023). Collection method: clinical testing. Allele origin: unknown.
Comment: This variant is considered likely benign. This variant is intronic and is not expected to impact mRNA splicing.

NM_003000.3(SDHB):c.424-6C>T

Gene: SDHB (succinate dehydrogenase complex iron sulfur subunit B; minus strand). Cytogenetic location: 1p36.13.
Variant type: single nucleotide variant.
Coding change: c.424-6C>T on transcript NM_003000.3 (MANE Select); 6 bases into the intron before coding-DNA position 424, C replaced by T.
Molecular consequence: intron variant.
Genome position (GRCh38, 1-based): chr1:17,027,871, G>A on the plus strand (C>T on the coding strand, the complement: SDHB is on the minus strand). VCF-style: chr1-17027871-G-A. GRCh37 (hg19) VCF-style: chr1-17354366-G-A.
Identifiers: ClinVar variation 1127619 (VCV001127619.8), dbSNP rs376285522, ClinGen allele CA089625.